The following is an entry in ClinVar:

NM_001079802.2(FKTN):c.-5G>C

Gene: FKTN (fukutin; plus strand). Cytogenetic location: 9q31.2.
Variant type: single nucleotide variant.
Coding change: c.-5G>C on transcript NM_001079802.2 (MANE Select); 5 bases upstream of the start codon, G replaced by C.
Molecular consequence: 5 prime UTR variant. On other transcripts: non-coding transcript variant (2).
Genome position (GRCh38, 1-based): chr9:105,575,028, G>C. VCF-style: chr9-105575028-G-C. GRCh37 (hg19) VCF-style: chr9-108337309-G-C.
Other names: c.-5G>C (NM_001198963.2, NM_001351496.2, NM_001351498.2 and 1 more transcripts); c.-172G>C (NM_001351497.2); c.-519G>C (NM_001351499.2, NM_001351500.2, NM_001351501.2 and 1 more transcripts).
Identifiers: ClinVar variation 3850540 (VCV003850540.1).

ClinVar aggregate classification (germline): Uncertain significance (1 of 4 stars; one submission).

Conditions:
Cardiovascular phenotype. Identifiers: MedGen CN230736.

gnomAD v4.1: 17 of 1,504,054 alleles (0.0011%); highest among the groups gnomAD compares: Admixed American, 0.017%; no homozygotes.

Submission:

Ambry Genetics
Classification: Uncertain significance for Cardiovascular phenotype. Last evaluated: 2024-12-26. Review status: criteria provided, single submitter. Criteria: Ambry Variant Classification Scheme 2023. Collection method: clinical testing. Allele origin: germline.
Comment: The c.-5G>C variant is located in the 5' untranslated region (5&rsquo; UTR) of the FKTN gene. This variant results from a G to C substitution 5 nucleotides upstream from the first translated codon. This nucleotide position is well conserved in available vertebrate species. Based on the available evidence, the clinical significance of this variant remains unclear.